The following is an entry in ClinVar:

ClinVar aggregate classification (germline): Uncertain significance. Review status: criteria provided, multiple submitters, no conflicts (2 of 4 stars). 2 submissions from 2 submitters: Uncertain significance (2). Last evaluated 2022-06-13.

Conditions:
Glucocorticoid deficiency 4. Also called: Glucocorticoid deficiency 4 with or without mineralocorticoid deficiency. Identifiers: Orphanet 361, MedGen C3553587, MONDO:0013874, OMIM 614736.

Allele frequency attached by ClinVar (database versions not stated): gnomAD 0.00001 and 0.00002; TOPMed 0.00001; gnomAD exomes 0.00002; ExAC 0.00003; ESP Exome Variant Server 0.00015; 1000 Genomes Project 30x 0.00016; 1000 Genomes Project 0.00020.
gnomAD v4.1: 35 of 1,612,490 alleles (0.0022%); highest among the groups gnomAD compares: African/African-American, 0.0027%; no homozygotes.

Submissions (2):

Labcorp Genetics (formerly Invitae), Labcorp
Classification: Uncertain significance. Last evaluated: 2022-06-13. Review status: criteria provided, single submitter. Criteria: Invitae Variant Classification Sherloc (09022015). Collection method: clinical testing. Allele origin: germline.
Comment: This sequence change replaces serine, which is neutral and polar, with leucine, which is neutral and non-polar, at codon 627 of the NNT protein (p.Ser627Leu). This variant is present in population databases (rs41271081, gnomAD 0.01%). This variant has not been reported in the literature in individuals affected with NNT-related conditions. ClinVar contains an entry for this variant (Variation ID: 1030252). Algorithms developed to predict the effect of missense changes on protein structure and function are either unavailable or do not agree on the potential impact of this missense change (SIFT: "Deleterious"; PolyPhen-2: "Probably Damaging"; Align-GVGD: "Class C0"). In summary, the available evidence is currently insufficient to determine the role of this variant in disease. Therefore, it has been classified as a Variant of Uncertain Significance.

Baylor Genetics
Classification: Uncertain significance for Glucocorticoid deficiency 4. Last evaluated: 2019-10-02. Review status: criteria provided, single submitter. Criteria: ACMG Guidelines, 2015. Collection method: clinical testing. Allele origin: unknown. Affected: yes.
Comment: This variant was determined to be of uncertain significance according to ACMG Guidelines, 2015 [PMID:25741868].

NM_182977.3(NNT):c.1880C>T (p.Ser627Leu)

Gene: NNT (nicotinamide nucleotide transhydrogenase; plus strand). Cytogenetic location: 5p12.
Variant type: single nucleotide variant.
Coding change: c.1880C>T on transcript NM_182977.3 (MANE Select); coding-DNA position 1880, C replaced by T.
Protein change: p.Ser627Leu; replaces serine 627 with leucine.
Molecular consequence: missense variant.
Genome position (GRCh38, 1-based): chr5:43,653,034, C>T. VCF-style: chr5-43653034-C-T. GRCh37 (hg19) VCF-style: chr5-43653136-C-T.
Other names: c.1487C>T, p.Ser496Leu (NM_001331026.2); c.1880C>T, p.Ser627Leu (NM_012343.4); short protein forms S496L, S627L.
Identifiers: ClinVar variation 1030252 (VCV001030252.3), dbSNP rs41271081, ClinGen allele CA3258106.